The following is an entry in ClinVar:

NM_012330.4(KAT6B):c.2218C>A (p.Gln740Lys)

Gene: KAT6B (lysine acetyltransferase 6B; plus strand). Cytogenetic location: 10q22.2.
Variant type: single nucleotide variant.
Coding change: c.2218C>A on transcript NM_012330.4 (MANE Select); coding-DNA position 2218, C replaced by A.
Protein change: p.Gln740Lys; replaces glutamine 740 with lysine.
Molecular consequence: missense variant. On other transcripts: intron variant (2).
Genome position (GRCh38, 1-based): chr10:74,979,326, C>A. VCF-style: chr10-74979326-C-A. GRCh37 (hg19) VCF-style: chr10-76739084-C-A.
Other names: c.1669C>A, p.Gln557Lys (NM_001256468.2, NM_001370138.1); c.1342C>A, p.Gln448Lys (NM_001256469.2, NM_001370132.1, NM_001370139.1 and 3 more transcripts); c.295C>A, p.Gln99Lys (NM_001370134.1); c.2218C>A, p.Gln740Lys (NM_001370136.1, NM_001370137.1); c.1153C>A, p.Gln385Lys (NM_001370143.1, NM_001370144.1); c.846+9551C>A (NM_001370133.1); c.193-9693C>A (NM_001370135.1); short protein forms Q385K, Q740K, Q99K, Q448K, Q557K.
Identifiers: ClinVar variation 3669199 (VCV003669199.2).

ClinVar aggregate classification (germline): Uncertain significance (1 of 4 stars; one submission).

Conditions:
Genitopatellar syndrome (GTPTS). Also called: ABSENT PATELLAE, SCROTAL HYPOPLASIA, RENAL ANOMALIES, FACIAL DYSMORPHISM, AND MENTAL RETARDATION; Genitopatellar syndrome (GPS). Identifiers: Orphanet 85201, MedGen C1853566, MONDO:0011640, OMIM 606170.

gnomAD v4.1: 2 of 1,603,424 alleles (0.00012%); highest among the groups gnomAD compares: African/African-American, 0.0013%; no homozygotes.

Submission:

Labcorp Genetics (formerly Invitae), Labcorp
Classification: Uncertain significance for Genitopatellar syndrome. Last evaluated: 2024-08-28. Review status: criteria provided, single submitter. Criteria: Invitae Variant Classification Sherloc (09022015). Collection method: clinical testing. Allele origin: germline.
Comment: This sequence change replaces glutamine, which is neutral and polar, with lysine, which is basic and polar, at codon 740 of the KAT6B protein (p.Gln740Lys). This variant is not present in population databases (gnomAD no frequency). This variant has not been reported in the literature in individuals affected with KAT6B-related conditions. Invitae Evidence Modeling of protein sequence and biophysical properties (such as structural, functional, and spatial information, amino acid conservation, physicochemical variation, residue mobility, and thermodynamic stability) indicates that this missense variant is not expected to disrupt KAT6B protein function with a negative predictive value of 80%. In summary, the available evidence is currently insufficient to determine the role of this variant in disease. Therefore, it has been classified as a Variant of Uncertain Significance.